The following is an entry in ClinVar:

NM_016604.4(KDM3B):c.1762T>C (p.Ser588Pro)

Gene: KDM3B (lysine demethylase 3B; plus strand). Cytogenetic location: 5q31.2.
Variant type: single nucleotide variant.
Coding change: c.1762T>C on transcript NM_016604.4 (MANE Select); coding-DNA position 1762, T replaced by C.
Protein change: p.Ser588Pro; replaces serine 588 with proline.
Molecular consequence: missense variant.
Genome position (GRCh38, 1-based): chr5:138,391,394, T>C. VCF-style: chr5-138391394-T-C. GRCh37 (hg19) VCF-style: chr5-137727083-T-C.
Other names: short protein forms S588P.
Identifiers: ClinVar variation 3343602 (VCV003343602.1).

ClinVar aggregate classification (germline): Uncertain significance (1 of 4 stars; one submission).

gnomAD v4.1: 2 of 1,613,760 alleles (0.00012%); highest among the groups gnomAD compares: South Asian, 0.0022%; no homozygotes.

Submission:

GeneDx
Classification: Uncertain significance. Last evaluated: 2023-05-17. Review status: criteria provided, single submitter. Criteria: GeneDx Variant Classification Process June 2021. Collection method: clinical testing. Allele origin: germline. Affected: yes.
Comment: Not observed at significant frequency in large population cohorts (gnomAD); In silico analysis supports that this missense variant does not alter protein structure/function; Has not been previously published as pathogenic or benign to our knowledge